The following is an entry in ClinVar:

ClinVar aggregate classification (germline): Uncertain significance (1 of 4 stars; one submission).

Allele frequency attached by ClinVar (database versions not stated): gnomAD exomes below 0.00001.
gnomAD v4.1: 1 of 1,605,116 alleles (0.000062%); highest among the groups gnomAD compares: Admixed American, 0.0017%; no homozygotes.

Submission:

Labcorp Genetics (formerly Invitae), Labcorp
Classification: Uncertain significance. Last evaluated: 2023-11-27. Review status: criteria provided, single submitter. Criteria: Invitae Variant Classification Sherloc (09022015). Collection method: clinical testing. Allele origin: germline.
Comment: This sequence change replaces asparagine, which is neutral and polar, with serine, which is neutral and polar, at codon 980 of the ADGRV1 protein (p.Asn980Ser). The frequency data for this variant in the population databases is considered unreliable, as metrics indicate poor data quality at this position in the gnomAD database. This variant has not been reported in the literature in individuals affected with ADGRV1-related conditions. ClinVar contains an entry for this variant (Variation ID: 1478614). Advanced modeling of protein sequence and biophysical properties (such as structural, functional, and spatial information, amino acid conservation, physicochemical variation, residue mobility, and thermodynamic stability) performed at Invitae indicates that this missense variant is not expected to disrupt ADGRV1 protein function with a negative predictive value of 95%. In summary, the available evidence is currently insufficient to determine the role of this variant in disease. Therefore, it has been classified as a Variant of Uncertain Significance.

NM_032119.4(ADGRV1):c.2939A>G (p.Asn980Ser)

Gene: ADGRV1 (adhesion G protein-coupled receptor V1; plus strand). Cytogenetic location: 5q14.3.
Variant type: single nucleotide variant.
Coding change: c.2939A>G on transcript NM_032119.4 (MANE Select); coding-DNA position 2939, A replaced by G.
Protein change: p.Asn980Ser; replaces asparagine 980 with serine.
Molecular consequence: missense variant. On other transcripts: non-coding transcript variant (1).
Genome position (GRCh38, 1-based): chr5:90,646,008, A>G. VCF-style: chr5-90646008-A-G. GRCh37 (hg19) VCF-style: chr5-89941825-A-G.
Other names: short protein forms N980S.
Identifiers: ClinVar variation 1478614 (VCV001478614.6), dbSNP rs1282395395, ClinGen allele CA360392764.